The following is an entry in ClinVar:

ClinVar aggregate classification (germline): Uncertain significance (1 of 4 stars; one submission).

gnomAD v4.1: 1 of 1,613,468 alleles (0.000062%); highest among the groups gnomAD compares: Non-Finnish European, 0.000085%; no homozygotes.

Submission:

Ambry Genetics
Classification: Uncertain significance. Last evaluated: 2025-02-24. Review status: criteria provided, single submitter. Criteria: Ambry Variant Classification Scheme 2023. Collection method: clinical testing. Allele origin: germline.
Comment: The p.G740R variant (also known as c.2218G>A), located in coding exon 13 of the GEN1 gene, results from a G to A substitution at nucleotide position 2218. The glycine at codon 740 is replaced by arginine, an amino acid with dissimilar properties. This amino acid position is conserved. In addition, this alteration is predicted to be tolerated by in silico analysis. Based on the available evidence, the clinical significance of this variant remains unclear.

NM_001130009.3(GEN1):c.2218G>A (p.Gly740Arg)

Gene: GEN1 (GEN1 Holliday junction 5' flap endonuclease; plus strand). Cytogenetic location: 2p24.2.
Variant type: single nucleotide variant.
Coding change: c.2218G>A on transcript NM_001130009.3 (MANE Select); coding-DNA position 2218, G replaced by A.
Protein change: p.Gly740Arg; replaces glycine 740 with arginine.
Molecular consequence: missense variant.
Genome position (GRCh38, 1-based): chr2:17,781,430, G>A. VCF-style: chr2-17781430-G-A. GRCh37 (hg19) VCF-style: chr2-17962697-G-A.
Other names: c.2218G>A, p.Gly740Arg (NM_182625.5); short protein forms G740R.
Identifiers: ClinVar variation 3853592 (VCV003853592.1).